The following is an entry in ClinVar:

NM_001171.6(ABCC6):c.4209C>T (p.Ser1403=)

Gene: ABCC6 (ATP binding cassette subfamily C member 6; minus strand). Cytogenetic location: 16p13.11.
Variant type: single nucleotide variant.
Coding change: c.4209C>T on transcript NM_001171.6 (MANE Select); coding-DNA position 4209, C replaced by T.
Protein change: p.Ser1403=; no amino-acid change (serine 1403 retained).
Molecular consequence: synonymous variant. On other transcripts: non-coding transcript variant (1).
Genome position (GRCh38, 1-based): chr16:16,150,772, G>A on the plus strand (C>T on the coding strand, the complement: ABCC6 is on the minus strand). VCF-style: chr16-16150772-G-A. GRCh37 (hg19) VCF-style: chr16-16244629-G-A.
Other names: c.4209C>T (NM_001171.5); c.3867C>T, p.Ser1289= (NM_001351800.1).
Identifiers: ClinVar variation 1513793 (VCV001513793.10), dbSNP rs63750700, ClinGen allele CA493799616.

ClinVar aggregate classification (germline): Conflicting classifications of pathogenicity. Review status: criteria provided, conflicting classifications (1 of 4 stars). 3 submissions from 3 submitters: Uncertain significance (2); Likely benign (1). Last evaluated 2026-02-11.

Conditions:
ABCC6-related disorder. Also called: ABCC6-related condition.
Autosomal recessive inherited pseudoxanthoma elasticum (PXE). Identifiers: Orphanet 758, MedGen CN032334, MONDO:0009925, OMIM 264800.
Pseudoxanthoma elasticum, forme fruste. Also called: Pseudoxanthoma Elasticum, Incomplete; PSEUDOXANTHOMA ELASTICUM, HETEROZYGOUS. Identifiers: Orphanet 758, MedGen C1867450, MONDO:0008333, OMIM 177850.
Arterial calcification, generalized, of infancy, 2. Identifiers: Orphanet 51608, MedGen C3276161, MONDO:0013768, OMIM 614473.

gnomAD v4.1: 7 of 1,613,298 alleles (0.00043%); highest among the groups gnomAD compares: Middle Eastern, 0.033%; no homozygotes.

Submissions (3):

PreventionGenetics, part of Exact Sciences
Classification: Likely benign for ABCC6-related condition. Last evaluated: 2026-02-11. Review status: criteria provided, single submitter. Criteria: ACMG Guidelines, 2015. Collection method: clinical testing. Allele origin: germline.
Comment: This variant is classified as likely benign based on ACMG/AMP sequence variant interpretation guidelines (Richards et al. 2015 PMID: 25741868, with internal and published modifications).

Fulgent Genetics
Classification: Uncertain significance for Pseudoxanthoma elasticum, forme fruste; Autosomal recessive inherited pseudoxanthoma elasticum; Arterial calcification, generalized, of infancy, 2. Last evaluated: 2024-01-06. Review status: criteria provided, single submitter. Criteria: ACMG Guidelines, 2015. Collection method: clinical testing. Allele origin: germline.

Labcorp Genetics (formerly Invitae), Labcorp
Classification: Uncertain significance. Last evaluated: 2023-10-13. Review status: criteria provided, single submitter. Criteria: Invitae Variant Classification Sherloc (09022015). Collection method: clinical testing. Allele origin: germline.
Comment: This sequence change affects codon 1403 of the ABCC6 mRNA. It is a 'silent' change, meaning that it does not change the encoded amino acid sequence of the ABCC6 protein. It affects a nucleotide within the consensus splice site. The frequency data for this variant in the population databases is considered unreliable, as metrics indicate poor data quality at this position in the gnomAD database. This variant has not been reported in the literature in individuals affected with ABCC6-related conditions. ClinVar contains an entry for this variant (Variation ID: 1513793). Algorithms developed to predict the effect of sequence changes on RNA splicing suggest that this variant is not likely to affect RNA splicing. In summary, the available evidence is currently insufficient to determine the role of this variant in disease. Therefore, it has been classified as a Variant of Uncertain Significance.